The following is an entry in ClinVar:

ClinVar aggregate classification (germline): Uncertain significance (1 of 4 stars; one submission).

gnomAD v4.1: 3 of 1,549,584 alleles (0.00019%); highest among the groups gnomAD compares: Non-Finnish European, 0.00026%; no homozygotes.

Submission:

Labcorp Genetics (formerly Invitae), Labcorp
Classification: Uncertain significance. Last evaluated: 2025-09-10. Review status: criteria provided, single submitter. Criteria: Invitae Variant Classification Sherloc (09022015). Collection method: clinical testing. Allele origin: germline.
Comment: This sequence change replaces arginine, which is basic and polar, with histidine, which is basic and polar, at codon 178 of the TOP2B protein (p.Arg178His). This variant is not present in population databases (gnomAD no frequency). This variant has not been reported in the literature in individuals affected with TOP2B-related conditions. An algorithm developed to predict the effect of missense changes on protein structure and function (PolyPhen-2) suggests that this variant is likely to be disruptive. In summary, the available evidence is currently insufficient to determine the role of this variant in disease. Therefore, it has been classified as a Variant of Uncertain Significance.

NM_001330700.2(TOP2B):c.548G>A (p.Arg183His)

Gene: TOP2B (DNA topoisomerase II beta; minus strand). Cytogenetic location: 3p24.2.
Variant type: single nucleotide variant.
Coding change: c.548G>A on transcript NM_001330700.2 (MANE Select); coding-DNA position 548, G replaced by A.
Protein change: p.Arg183His; replaces arginine 183 with histidine.
Molecular consequence: missense variant.
Genome position (GRCh38, 1-based): chr3:25,637,306, C>T on the plus strand (G>A on the coding strand, the complement: TOP2B is on the minus strand). VCF-style: chr3-25637306-C-T. GRCh37 (hg19) VCF-style: chr3-25678797-C-T.
Other names: c.533G>A, p.Arg178His (NM_001068.3); short protein forms R178H, R183H.
Identifiers: ClinVar variation 4799716 (VCV004799716.1).